The following is an entry in ClinVar:

NM_001276277.3(PPIP5K2):c.1028+10T>G

Gene: PPIP5K2 (diphosphoinositol pentakisphosphate kinase 2; plus strand). Cytogenetic location: 5q21.1.
Variant type: single nucleotide variant.
Coding change: c.1028+10T>G on transcript NM_001276277.3 (MANE Select); 10 bases into the intron after coding-DNA position 1028, T replaced by G.
Molecular consequence: intron variant.
Genome position (GRCh38, 1-based): chr5:103,151,384, T>G. VCF-style: chr5-103151384-T-G. GRCh37 (hg19) VCF-style: chr5-102487088-T-G.
Other names: c.1028+10T>G (NM_001281471.3, NM_001345872.2, NM_015216.5 and 7 more transcripts).
Identifiers: ClinVar variation 3038048 (VCV003038048.2), dbSNP rs74430672, ClinGen allele CA3360039.
Genomic context (GRCh38, chr5:103,151,384, plus strand): 5'-TTTTGTGAAAAATTCCATGAAGTATTATGATGACTGTGCAAAAATACTTGGGTAAGAATT[T>G]TTAAATTTTTCTTTTTACCTTCATATACTAGTTATTCAGAAACCAAATAACTGTTAACAT-3'

ClinVar aggregate classification (germline): Benign (0 of 4 stars; one submission).

Conditions:
PPIP5K2-related disorder. Also called: PPIP5K2-related condition.

Allele frequency attached by ClinVar (database versions not stated): gnomAD exomes 0.00114; ExAC 0.00350; 1000 Genomes Project 0.01178; gnomAD 0.01242; 1000 Genomes Project 30x 0.01280; ESP Exome Variant Server 0.01379; TOPMed 0.01391.
gnomAD v4.1: 3,598 of 1,583,028 alleles (0.23%); highest among the groups gnomAD compares: African/African-American, 4.4%; 62 homozygotes.

Submission:

PreventionGenetics, part of Exact Sciences
Classification: Benign for PPIP5K2-related condition. Last evaluated: 2019-12-23. Review status: no assertion criteria provided. Collection method: clinical testing. Allele origin: germline.
Comment: This variant is classified as benign based on ACMG/AMP sequence variant interpretation guidelines (Richards et al. 2015 PMID: 25741868, with internal and published modifications).